The following is an entry in ClinVar:

ClinVar aggregate classification (germline): Pathogenic (1 of 4 stars; one submission).

Conditions:
Multiple congenital exostosis (EXT). Also called: Multiple exostoses; MULTIPLE CARTILAGINOUS EXOSTOSES; Hereditary multiple exostoses; Hereditary multiple exostosis; Multiple osteochondromas; Hereditary multiple osteochondromas. Identifiers: Orphanet 321, MedGen C0015306, MONDO:0005508, HP:0002762.

Submission:

Labcorp Genetics (formerly Invitae), Labcorp
Classification: Pathogenic for Multiple congenital exostosis. Last evaluated: 2025-05-27. Review status: criteria provided, single submitter. Criteria: Invitae Variant Classification Sherloc (09022015). Collection method: clinical testing. Allele origin: germline.
Comment: This sequence change creates a premature translational stop signal (p.His527Profs*20) in the EXT1 gene. It is expected to result in an absent or disrupted protein product. Loss-of-function variants in EXT1 are known to be pathogenic (PMID: 10679937, 11391482, 19810120). This variant is not present in population databases (gnomAD no frequency). This variant has not been reported in the literature in individuals affected with EXT1-related conditions. For these reasons, this variant has been classified as Pathogenic.

Literature cited by the submitters: PubMed 10679937; PubMed 11391482; PubMed 19810120.

NM_000127.3(EXT1):c.1580del (p.His527fs)

Gene: EXT1 (exostosin glycosyltransferase 1; minus strand). Cytogenetic location: 8q24.11.
Variant type: Deletion.
Coding change: c.1580del on transcript NM_000127.3 (MANE Select); coding-DNA position 1580, one base deleted (A; older notation c.1580delA).
Protein change: p.His527fs; shifts the reading frame from histidine 527.
Molecular consequence: frameshift variant.
Genome position (GRCh38, 1-based): chr8:117,818,487, T deleted on the plus strand (A on the coding strand, the reverse complement: EXT1 is on the minus strand). VCF-style (leftmost placement, unchanged base first): chr8-117818486-GT-G. GRCh37 (hg19) VCF-style: chr8-118830725-GT-G.
Other names: short protein forms H527fs.
Identifiers: ClinVar variation 4720363 (VCV004720363.1).